The following is an entry in ClinVar:

NM_175918.3(CRIPAK):c.642C>A (p.Pro214=)

Genes: CRIPAK (cysteine rich PAK1 inhibitor; plus strand), UVSSA (UV stimulated scaffold protein A; plus strand), LOC126806945 (P300/CBP strongly-dependent group 1 enhancer GRCh37_chr4:1388225-1389424; plus strand). Cytogenetic location: 4p16.3.
Variant type: single nucleotide variant.
Coding change: c.642C>A on transcript NM_175918.3; coding-DNA position 642, C replaced by A.
Protein change: p.Pro214=; no amino-acid change (proline 214 retained).
Molecular consequence: synonymous variant.
Genome position (GRCh38, 1-based): chr4:1,395,153, C>A. VCF-style: chr4-1395153-C-A. GRCh37 (hg19) VCF-style: chr4-1388941-C-A.
Identifiers: ClinVar variation 2654572 (VCV002654572.24), dbSNP rs77567310, ClinGen allele CA91253346.

ClinVar aggregate classification (germline): Likely benign (1 of 4 stars; one submission).

Submission:

CeGaT Center for Human Genetics Tuebingen
Classification: Likely benign. Last evaluated: 2022-09-01. Review status: criteria provided, single submitter. Criteria: CeGaT Center For Human Genetics Tuebingen Variant Classification Criteria Version 2. Collection method: clinical testing. Allele origin: germline. Affected: yes. Observed: 1 variant allele.
Comment: CRIPAK: BP4, BP7